The following is an entry in ClinVar:

ClinVar aggregate classification (germline): Uncertain significance (1 of 4 stars; one submission).

Conditions:
Autosomal recessive limb-girdle muscular dystrophy type 2J (LGMDR10). Also called: Limb-girdle muscular dystrophy, type 2J; MUSCULAR DYSTROPHY, LIMB-GIRDLE, AUTOSOMAL RECESSIVE 10. Identifiers: Orphanet 140922, MedGen C1837342, MONDO:0012127, OMIM 608807.
Dilated cardiomyopathy 1G (CMD1G). Identifiers: Orphanet 154, MedGen C1858763, MONDO:0011400, OMIM 604145.

gnomAD v4.1: 6 of 1,613,808 alleles (0.00037%); highest among the groups gnomAD compares: Non-Finnish European, 0.00042%; no homozygotes.

Submission:

Labcorp Genetics (formerly Invitae), Labcorp
Classification: Uncertain significance for Dilated cardiomyopathy 1G; Autosomal recessive limb-girdle muscular dystrophy type 2J. Last evaluated: 2026-01-06. Review status: criteria provided, single submitter. Criteria: Invitae Variant Classification Sherloc (09022015). Collection method: clinical testing. Allele origin: germline.
Comment: This sequence change replaces leucine, which is neutral and non-polar, with isoleucine, which is neutral and non-polar, at codon 34194 of the TTN protein (p.Leu34194Ile). This variant is present in population databases (rs745744350, gnomAD 0.0009%). This variant has not been reported in the literature in individuals affected with TTN-related conditions. ClinVar contains an entry for this variant (Variation ID: 3763314). An algorithm developed to predict the effect of missense changes on protein structure and function outputs the following: PolyPhen-2: "Not Available". The isoleucine amino acid residue is found in multiple mammalian species, which suggests that this missense change does not adversely affect protein function. This variant is located in the M band of TTN (PMID: 25589632). Non-truncating variants in this region may be relevant for neuromuscular disorders, but have not been definitively shown to cause cardiomyopathy (PMID: 23975875). In summary, the available evidence is currently insufficient to determine the role of this variant in disease. Therefore, it has been classified as a Variant of Uncertain Significance.

Literature cited by the submitters: PubMed 25589632; PubMed 23975875.

NM_001267550.2(TTN):c.102580C>A (p.Leu34194Ile)

Genes: TTN (titin; minus strand), TTN-AS1 (TTN antisense RNA 1; plus strand). Cytogenetic location: 2q31.2.
Variant type: single nucleotide variant.
Coding change: c.102580C>A on transcript NM_001267550.2 (MANE Select); coding-DNA position 102580, C replaced by A.
Protein change: p.Leu34194Ile; replaces leucine 34194 with isoleucine.
Molecular consequence: missense variant.
Genome position (GRCh38, 1-based): chr2:178,534,035, G>T on the plus strand (C>A on the coding strand, the complement: TTN is on the minus strand). VCF-style: chr2-178534035-G-T. GRCh37 (hg19) VCF-style: chr2-179398762-G-T.
Other names: c.97657C>A, p.Leu32553Ile (NM_001256850.1); c.75385C>A, p.Leu25129Ile (NM_003319.4); c.94876C>A, p.Leu31626Ile (NM_133378.4); c.75760C>A, p.Leu25254Ile (NM_133432.3); c.75961C>A, p.Leu25321Ile (NM_133437.4); short protein forms L25129I, L25254I, L25321I, L31626I, L32553I, L34194I.
Identifiers: ClinVar variation 3763314 (VCV003763314.2).